The following is an entry in ClinVar:

NM_000535.7(PMS2):c.803+10T>C

Gene: PMS2 (PMS1 homolog 2, mismatch repair system component; minus strand). Cytogenetic location: 7p22.1.
Variant type: single nucleotide variant.
Coding change: c.803+10T>C on transcript NM_000535.7 (MANE Select); 10 bases into the intron after coding-DNA position 803, T replaced by C.
Molecular consequence: intron variant.
Genome position (GRCh38, 1-based): chr7:5,997,316, A>G on the plus strand (T>C on the coding strand, the complement: PMS2 is on the minus strand). VCF-style: chr7-5997316-A-G. GRCh37 (hg19) VCF-style: chr7-6036947-A-G.
Other names: c.398+10T>C (NM_001406891.1, NM_001406899.1, NM_001406893.1 and 19 more transcripts); c.989+10T>C (NM_001406866.1); c.494+10T>C (NM_001406882.1, NM_001406875.1, NM_001406877.1 and 6 more transcripts); c.485+10T>C (NM_001322008.2, NM_001406902.1, NM_001406883.1 and 4 more transcripts); c.132+5137T>C (NM_001406911.1); c.290+10T>C (NM_001406904.1, NM_001406905.1); c.230+10T>C (NM_001322013.2, NM_001406909.1); c.-131+10T>C (NM_001322012.2, NM_001322011.2); and 7 more.
Identifiers: ClinVar variation 3903858 (VCV003903858.1).

ClinVar aggregate classification (germline): Likely benign (1 of 4 stars; one submission).

Conditions:
Lynch syndrome 4 (LYNCH4). Also called: Colorectal cancer, hereditary nonpolyposis, type 4; Hereditary non-polyposis colorectal cancer, type 4. Identifiers: Orphanet 144, MedGen C1838333, MONDO:0013699, OMIM 614337. Disease mechanism: loss of function.

Submission:

Myriad Genetics, Inc.
Classification: Likely benign for Lynch syndrome 4. Last evaluated: 2025-01-28. Review status: criteria provided, single submitter. Criteria: Myriad Autosomal Dominant, Autosomal Recessive and X-Linked Classification Criteria (2023). Collection method: clinical testing. Allele origin: unknown.
Comment: This variant is considered likely benign. This variant is intronic and is not expected to impact mRNA splicing.